The following is an entry in ClinVar:

NM_000112.4(SLC26A2):c.746C>G (p.Ser249Ter)

Gene: SLC26A2 (solute carrier family 26 member 2; plus strand). Cytogenetic location: 5q32.
Variant type: single nucleotide variant.
Coding change: c.746C>G on transcript NM_000112.4 (MANE Select); coding-DNA position 746, C replaced by G.
Protein change: p.Ser249Ter; replaces serine 249 with a stop codon.
Molecular consequence: nonsense.
Genome position (GRCh38, 1-based): chr5:149,980,339, C>G. VCF-style: chr5-149980339-C-G. GRCh37 (hg19) VCF-style: chr5-149359902-C-G.
Other names: short protein forms S249*.
Identifiers: ClinVar variation 371761 (VCV000371761.10), dbSNP rs1057517514, ClinGen allele CA16040991.

ClinVar aggregate classification (germline): Pathogenic/Likely pathogenic. Review status: criteria provided, multiple submitters, no conflicts (2 of 4 stars). 8 submissions from 5 submitters: Pathogenic (1); Likely pathogenic (3). 4 of the submissions do not count toward it. Last evaluated 2025-03-24.

Conditions:
Multiple epiphyseal dysplasia type 4 (EDM4). Also called: MULTIPLE EPIPHYSEAL DYSPLASIA WITH BILAYERED PATELLAE; MULTIPLE EPIPHYSEAL DYSPLASIA WITH CLUBFOOT; MULTIPLE EPIPHYSEAL DYSPLASIA, AUTOSOMAL RECESSIVE; Multiple Epiphyseal Dysplasia, Recessive; SLC26A2-Related Multiple Epiphyseal Dysplasia. Identifiers: Orphanet 93307, MedGen C1847593, MONDO:0009189, OMIM 226900.
Diastrophic dysplasia (DTD). Also called: Diastrophic dwarfism. Identifiers: Orphanet 628, MedGen C0220726, MONDO:0009107, OMIM 222600.
Achondrogenesis, type IB (ACG1B). Also called: Achondrogenesis Type 1B. Identifiers: Orphanet 932, Orphanet 93298, MedGen C0265274, MONDO:0010966, OMIM 600972.
Atelosteogenesis type II (AO2). Also called: NEONATAL OSSEOUS DYSPLASIA I; Neonatal osseous dysplasia 1; SLC26A2-Related Atelosteogenesis. Identifiers: Orphanet 56304, MedGen C1850554, MONDO:0009727, OMIM 256050.

Submissions (8):

Natera, Inc.
Classification: Likely pathogenic for Achondrogenesis type IB. Last evaluated: 2025-03-24. Review status: criteria provided, single submitter. Criteria: Natera Variant Classification Schema (03/2026). Collection method: clinical testing. Allele origin: germline.
Comment: The c.746C>G variant in SLC26A2 is a nonsense variant predicted to introduce a stop codon at amino acid 249. This variant is expected to result in nonsense mediated decay, truncation, or a dysfunctional protein product. This variant is rare in the general population with a frequency below the threshold expected for the associated phenotype(s). Given the available evidence, this variant is classified as Likely Pathogenic.

Labcorp Genetics (formerly Invitae), Labcorp
Classification: Pathogenic for Atelosteogenesis type II; Multiple epiphyseal dysplasia type 4; Achondrogenesis, type IB; Diastrophic dysplasia. Last evaluated: 2024-09-18. Review status: criteria provided, single submitter. Criteria: Invitae Variant Classification Sherloc (09022015). Collection method: clinical testing. Allele origin: germline.
Comment: This sequence change creates a premature translational stop signal (p.Ser249*) in the SLC26A2 gene. While this is not anticipated to result in nonsense mediated decay, it is expected to disrupt the last 491 amino acid(s) of the SLC26A2 protein. This variant is not present in population databases (gnomAD no frequency). This variant has not been reported in the literature in individuals affected with SLC26A2-related conditions. ClinVar contains an entry for this variant (Variation ID: 371761). This variant disrupts a region of the SLC26A2 protein in which other variant(s) (p.Ala715Val) have been determined to be pathogenic (PMID: 8571951, 21077204, 21922596; internal data). This suggests that this is a clinically significant region of the protein, and that variants that disrupt it are likely to be disease-causing. For these reasons, this variant has been classified as Pathogenic.

Fulgent Genetics
Classification: Likely pathogenic for Diastrophic dysplasia; Multiple epiphyseal dysplasia type 4; Atelosteogenesis type II; Achondrogenesis, type IB. Last evaluated: 2023-12-29. Review status: criteria provided, single submitter. Criteria: ACMG Guidelines, 2015. Collection method: clinical testing. Allele origin: germline.

Baylor Genetics
Classification: Likely pathogenic for Achondrogenesis, type IB. Last evaluated: 2023-02-09. Review status: criteria provided, single submitter. Criteria: ACMG Guidelines, 2015. Collection method: clinical testing. Allele origin: unknown.

Counsyl
Classification: Likely pathogenic for Diastrophic dysplasia. Last evaluated: 2016-07-27. Review status: no assertion criteria provided. Collection method: clinical testing. Allele origin: unknown. Not counted in ClinVar's aggregate classification.

Counsyl
Classification: Likely pathogenic for Multiple epiphyseal dysplasia type 4. Last evaluated: 2016-07-27. Review status: no assertion criteria provided. Collection method: clinical testing. Allele origin: unknown. Not counted in ClinVar's aggregate classification.

Counsyl
Classification: Likely pathogenic for Atelosteogenesis type II. Last evaluated: 2016-07-27. Review status: no assertion criteria provided. Collection method: clinical testing. Allele origin: unknown. Not counted in ClinVar's aggregate classification.

Counsyl
Classification: Likely pathogenic for Achondrogenesis, type IB. Last evaluated: 2016-07-27. Review status: no assertion criteria provided. Collection method: clinical testing. Allele origin: unknown. Not counted in ClinVar's aggregate classification.

Literature cited by the submitters: PubMed 8571951 (cited by Labcorp Genetics (formerly Invitae), Labcorp); PubMed 21077204 (cited by Labcorp Genetics (formerly Invitae), Labcorp); PubMed 21922596 (cited by Labcorp Genetics (formerly Invitae), Labcorp).